The following is an entry in ClinVar:

ClinVar aggregate classification (germline): Benign. Review status: criteria provided, single submitter (1 of 4 stars). 3 submissions from 1 submitter: Benign (3). Last evaluated 2018-01-13.

Conditions:
Hypoplastic left heart syndrome 1 (HLHS1). Identifiers: Orphanet 2248, MedGen C4551854, MONDO:0009433, OMIM 241550.
Syndactyly type 3 (SDTY3). Also called: RING AND LITTLE FINGER SYNDACTYLY; SYNDACTYLY OF FINGERS IV AND V. Identifiers: Orphanet 93404, MedGen C1861366, MONDO:0008514, OMIM 186100.
Oculodentodigital dysplasia (ODDD). Also called: ODD SYNDROME; Oculodentodigital syndrome. Identifiers: Orphanet 2710, MedGen C0812437, MONDO:0008111, OMIM 164200.

Allele frequency attached by ClinVar (database versions not stated): gnomAD exomes 0.00021; gnomAD 0.06212 and 0.06674; 1000 Genomes Project 0.06290; 1000 Genomes Project 30x 0.06433; TOPMed 0.06949.
gnomAD v4.1: 9,362 of 166,550 alleles (5.6%); highest among the groups gnomAD compares: African/African-American, 22%; 1,008 homozygotes.

Submissions (3):

Illumina Laboratory Services, Illumina
Classification: Benign for Syndactyly type 3. Last evaluated: 2018-01-13. Review status: criteria provided, single submitter. Criteria: ICSL Variant Classification Criteria 13 December 2019. Collection method: clinical testing. Allele origin: germline.
Comment: This variant was observed in the ICSL laboratory as part of a predisposition screen in an ostensibly healthy population. It had not been previously curated by ICSL or reported in the Human Gene Mutation Database (HGMD: prior to June 1st, 2018), and was therefore a candidate for classification through an automated scoring system. Utilizing variant allele frequency, disease prevalence and penetrance estimates, and inheritance mode, an automated score was calculated to assess if this variant is too frequent to cause the disease. Based on the score and internal cut-off values, a variant classified as benign is not then subjected to further curation. The score for this variant resulted in a classification of benign for this disease.

Illumina Laboratory Services, Illumina
Classification: Benign for Oculodentodigital dysplasia. Last evaluated: 2018-01-13. Review status: criteria provided, single submitter. Criteria: ICSL Variant Classification Criteria 13 December 2019. Collection method: clinical testing. Allele origin: germline.
Comment: the same text as in the submission from Illumina Laboratory Services, Illumina above.

Illumina Laboratory Services, Illumina
Classification: Benign for Hypoplastic left heart syndrome 1. Last evaluated: 2018-01-13. Review status: criteria provided, single submitter. Criteria: ICSL Variant Classification Criteria 13 December 2019. Collection method: clinical testing. Allele origin: germline.
Comment: the same text as in the submission from Illumina Laboratory Services, Illumina above.

NM_000165.5(GJA1):c.*968T>C

Gene: GJA1 (gap junction protein alpha 1; plus strand). Cytogenetic location: 6q22.31.
Variant type: single nucleotide variant.
Coding change: c.*968T>C on transcript NM_000165.5 (MANE Select); 968 bases downstream of the stop codon, T replaced by C.
Molecular consequence: 3 prime UTR variant.
Genome position (GRCh38, 1-based): chr6:121,448,964, T>C. VCF-style: chr6-121448964-T-C. GRCh37 (hg19) VCF-style: chr6-121770110-T-C.
Identifiers: ClinVar variation 355180 (VCV000355180.5), dbSNP rs111878880, ClinGen allele CA10622873.